The following is an entry in ClinVar:

NM_178857.6(RP1L1):c.6264G>T (p.Gln2088His)

Gene: RP1L1 (RP1 like 1). Cytogenetic location: 8p23.1.
Variant type: single nucleotide variant.
Coding change: c.6264G>T on transcript NM_178857.6 (MANE Select); coding-DNA position 6264, G replaced by T.
Protein change: p.Gln2088His; replaces glutamine 2088 with histidine.
Molecular consequence: missense variant.
Genome position (GRCh38, 1-based): chr8:10,607,834, C>A on the plus strand (G>T on the coding strand, the complement: RP1L1 is on the minus strand). VCF-style: chr8-10607834-C-A. GRCh37 (hg19) VCF-style: chr8-10465344-C-A.
Other names: short protein forms Q2088H.
Identifiers: ClinVar variation 361228 (VCV000361228.9), dbSNP rs11778341, ClinGen allele CA4623390.

ClinVar aggregate classification (germline): Benign. Review status: criteria provided, multiple submitters, no conflicts (2 of 4 stars). 5 submissions from 4 submitters: Benign (5). Last evaluated 2023-10-01.

Conditions:
Occult macular dystrophy (OCMD). Also called: OMD; OCCULT MACULAR DYSTROPHY, SUSCEPTIBILITY TO. Identifiers: Orphanet 247834, MedGen C3150833, MONDO:0013316, OMIM 613587, HP:0030636.
Retinitis pigmentosa 88. Identifiers: MedGen C5394208, MONDO:0032940, OMIM 618826.
Retinal dystrophy. Also called: Inherited retinal dystrophy. Identifiers: Orphanet 71862, MedGen C0854723, MeSH D058499, MONDO:0019118, HP:0000556.

Allele frequency attached by ClinVar (database versions not stated): gnomAD 0.11690 and 0.12255; ESP Exome Variant Server 0.11795; gnomAD exomes 0.12463 and 0.13170; ExAC 0.13012; 1000 Genomes Project 0.16414.
gnomAD v4.1: 200,846 of 1,610,128 alleles (12%); highest among the groups gnomAD compares: East Asian, 38%; 14,425 homozygotes.

Submissions (5):

Dept Of Ophthalmology, Nagoya University
Classification: Benign for Retinal dystrophy. Last evaluated: 2023-10-01. Review status: criteria provided, single submitter. Criteria: Submitter's publication. Collection method: research. Allele origin: germline. Affected: yes.

Genome-Nilou Lab
Classification: Benign for Occult macular dystrophy. Last evaluated: 2021-11-07. Review status: criteria provided, single submitter. Criteria: ACMG Guidelines, 2015. Collection method: clinical testing. Allele origin: germline. Affected: no.

Genome-Nilou Lab
Classification: Benign for Retinitis pigmentosa 88. Last evaluated: 2021-11-07. Review status: criteria provided, single submitter. Criteria: ACMG Guidelines, 2015. Collection method: clinical testing. Allele origin: germline. Affected: no.

Illumina Laboratory Services, Illumina
Classification: Benign for Occult macular dystrophy. Last evaluated: 2018-01-13. Review status: criteria provided, single submitter. Criteria: ICSL Variant Classification Criteria 13 December 2019. Collection method: clinical testing. Allele origin: germline.
Comment: This variant was observed in the ICSL laboratory as part of a predisposition screen in an ostensibly healthy population. It had not been previously curated by ICSL or reported in the Human Gene Mutation Database (HGMD: prior to June 1st, 2018), and was therefore a candidate for classification through an automated scoring system. Utilizing variant allele frequency, disease prevalence and penetrance estimates, and inheritance mode, an automated score was calculated to assess if this variant is too frequent to cause the disease. Based on the score and internal cut-off values, a variant classified as benign is not then subjected to further curation. The score for this variant resulted in a classification of benign for this disease.

Breakthrough Genomics
Classification: Benign. Review status: criteria provided, single submitter. Criteria: ACMG Guidelines, 2015. Collection method: not provided. Allele origin: germline. Inheritance: Autosomal recessive inheritance. Affected: yes.